The following is an entry in ClinVar:

ClinVar aggregate classification (germline): Likely pathogenic (1 of 4 stars; one submission).

Conditions:
Argininosuccinate lyase deficiency. Also called: Argininosuccinic aciduria; ARGININOSUCCINIC ACID LYASE DEFICIENCY; ASL DEFICIENCY. Identifiers: Orphanet 23, MedGen C0268547, MONDO:0008815, OMIM 207900, HP:0025630.

Submission:

Myriad Genetics, Inc.
Classification: Likely pathogenic for Argininosuccinate lyase deficiency. Last evaluated: 2019-03-31. Review status: criteria provided, single submitter. Criteria: Myriad Women's Health Autosomal Recessive and X-Linked Classification Criteria (2019). Collection method: clinical testing. Allele origin: unknown.
Comment: NM_001024943.1(ASL):c.372G>A(W124*) is expected to be pathogenic in the context of argininosuccinic aciduria. This variant is predicted to lead to an abnormal or absent protein product due to the creation of a premature termination codon in ASL, a gene where loss-of-function variants are known to be pathogenic. Please note: this variant was assessed in the context of healthy population screening.

NM_000048.4(ASL):c.372G>A (p.Trp124Ter)

Gene: ASL (argininosuccinate lyase; plus strand). Cytogenetic location: 7q11.21.
Variant type: single nucleotide variant.
Coding change: c.372G>A on transcript NM_000048.4 (MANE Select); coding-DNA position 372, G replaced by A.
Protein change: p.Trp124Ter; replaces tryptophan 124 with a stop codon.
Molecular consequence: nonsense.
Genome position (GRCh38, 1-based): chr7:66,083,100, G>A. VCF-style: chr7-66083100-G-A. GRCh37 (hg19) VCF-style: chr7-65548087-G-A.
Other names: c.372G>A, p.Trp124Ter (NM_001024943.2, NM_001024944.2, NM_001024946.2); short protein forms W124*.
Identifiers: ClinVar variation 984302 (VCV000984302.3), dbSNP rs1786558148, ClinGen allele CA367639315.